The following is an entry in ClinVar:

NM_001080472.4(FITM2):c.50G>A (p.Arg17Gln)

Gene: FITM2 (fat storage inducing transmembrane protein 2; minus strand). Cytogenetic location: 20q13.12.
Variant type: single nucleotide variant.
Coding change: c.50G>A on transcript NM_001080472.4 (MANE Select); coding-DNA position 50, G replaced by A.
Protein change: p.Arg17Gln; replaces arginine 17 with glutamine.
Molecular consequence: missense variant.
Genome position (GRCh38, 1-based): chr20:44,311,099, C>T on the plus strand (G>A on the coding strand, the complement: FITM2 is on the minus strand). VCF-style: chr20-44311099-C-T. GRCh37 (hg19) VCF-style: chr20-42939739-C-T.
Other names: c.50G>A (NM_001080472.2); short protein forms R17Q.
Identifiers: ClinVar variation 2310297 (VCV002310297.3), dbSNP rs576070517, ClinGen allele CA9869672.

ClinVar aggregate classification (germline): Uncertain significance. Review status: criteria provided, multiple submitters, no conflicts (2 of 4 stars). 2 submissions from 2 submitters: Uncertain significance (2). Last evaluated 2023-04-07.

Allele frequency attached by ClinVar (database versions not stated): gnomAD 0.00002; TOPMed 0.00002; ExAC 0.00004; gnomAD exomes 0.00006; 1000 Genomes Project 30x 0.00016; 1000 Genomes Project 0.00020.

Submissions (2):

GeneDx
Classification: Uncertain significance. Last evaluated: 2023-04-07. Review status: criteria provided, single submitter. Criteria: GeneDx Variant Classification Process June 2021. Collection method: clinical testing. Allele origin: germline. Affected: yes.
Comment: In silico analysis supports that this missense variant does not alter protein structure/function; Has not been previously published as pathogenic or benign to our knowledge

Ambry Genetics
Classification: Uncertain significance. Last evaluated: 2022-09-06. Review status: criteria provided, single submitter. Criteria: Ambry Variant Classification Scheme 2023. Collection method: clinical testing. Allele origin: germline.